The following is an entry in ClinVar:

ClinVar aggregate classification (germline): Uncertain significance. Review status: criteria provided, multiple submitters, no conflicts (2 of 4 stars). 3 submissions from 3 submitters: Uncertain significance (3). Last evaluated 2025-06-13.

Conditions:
Infantile-onset ascending hereditary spastic paralysis (IAHSP). Also called: Autosomal Recessive Juvenile Amyotrophic Lateral Sclerosis; Infantile-Onset Ascending Hereditary Spastic Paralysis (IAHSP). Identifiers: Orphanet 293168, MedGen C2931441, MONDO:0011797, OMIM 607225. Disease mechanism: loss of function.

Allele frequency attached by ClinVar (database versions not stated): gnomAD 0.00001; ExAC 0.00002; gnomAD exomes 0.00002 and 0.00004; TOPMed 0.00005.
gnomAD v4.1: 15 of 1,613,756 alleles (0.00093%); highest among the groups gnomAD compares: Admixed American, 0.018%; no homozygotes.

Submissions (3):

Mayo Clinic Laboratories, Mayo Clinic
Classification: Uncertain significance. Last evaluated: 2025-06-13. Review status: criteria provided, single submitter. Criteria: ACMG Guidelines, 2015. Collection method: clinical testing. Allele origin: germline. Observed: 1 variant allele.
Comment: PM2_supporting

Labcorp Genetics (formerly Invitae), Labcorp
Classification: Uncertain significance for Infantile-onset ascending hereditary spastic paralysis. Last evaluated: 2023-07-28. Review status: criteria provided, single submitter. Criteria: Invitae Variant Classification Sherloc (09022015). Collection method: clinical testing. Allele origin: germline.
Comment: In summary, the available evidence is currently insufficient to determine the role of this variant in disease. Therefore, it has been classified as a Variant of Uncertain Significance. Advanced modeling of protein sequence and biophysical properties (such as structural, functional, and spatial information, amino acid conservation, physicochemical variation, residue mobility, and thermodynamic stability) performed at Invitae indicates that this missense variant is not expected to disrupt ALS2 protein function. ClinVar contains an entry for this variant (Variation ID: 950066). This variant has not been reported in the literature in individuals affected with ALS2-related conditions. This variant is present in population databases (rs777004596, gnomAD 0.02%). This sequence change replaces serine, which is neutral and polar, with cysteine, which is neutral and slightly polar, at codon 1147 of the ALS2 protein (p.Ser1147Cys).

Revvity Omics, Revvity
Classification: Uncertain significance. Last evaluated: 2021-10-05. Review status: criteria provided, single submitter. Criteria: ACMG Guidelines, 2015. Collection method: clinical testing. Allele origin: germline.

NM_020919.4(ALS2):c.3440C>G (p.Ser1147Cys)

Gene: ALS2 (alsin Rho guanine nucleotide exchange factor ALS2; minus strand). Cytogenetic location: 2q33.1.
Variant type: single nucleotide variant.
Coding change: c.3440C>G on transcript NM_020919.4 (MANE Select); coding-DNA position 3440, C replaced by G.
Protein change: p.Ser1147Cys; replaces serine 1147 with cysteine.
Molecular consequence: missense variant.
Genome position (GRCh38, 1-based): chr2:201,724,367, G>C on the plus strand (C>G on the coding strand, the complement: ALS2 is on the minus strand). VCF-style: chr2-201724367-G-C. GRCh37 (hg19) VCF-style: chr2-202589090-G-C.
Other names: p.Ser1147Cys; short protein forms S1147C.
Identifiers: ClinVar variation 950066 (VCV000950066.13), dbSNP rs777004596, ClinGen allele CA2057881.